The following is an entry in ClinVar:

ClinVar aggregate classification (germline): Uncertain significance (1 of 4 stars; one submission).

Submission:

Labcorp Genetics (formerly Invitae), Labcorp
Classification: Uncertain significance. Last evaluated: 2022-01-12. Review status: criteria provided, single submitter. Criteria: Invitae Variant Classification Sherloc (09022015). Collection method: clinical testing. Allele origin: germline.
Comment: In summary, the available evidence is currently insufficient to determine the role of this variant in disease. Therefore, it has been classified as a Variant of Uncertain Significance. Algorithms developed to predict the effect of missense changes on protein structure and function output the following: SIFT: "Deleterious"; PolyPhen-2: "Not Available"; Align-GVGD: "Class C55". The serine amino acid residue is found in multiple mammalian species, which suggests that this missense change does not adversely affect protein function. This variant has not been reported in the literature in individuals affected with COL11A1-related conditions. This variant is not present in population databases (gnomAD no frequency). This sequence change replaces glycine, which is neutral and non-polar, with serine, which is neutral and polar, at codon 1800 of the COL11A1 protein (p.Gly1800Ser).

NM_001854.4(COL11A1):c.5398G>A (p.Gly1800Ser)

Gene: COL11A1 (collagen type XI alpha 1 chain; minus strand). Cytogenetic location: 1p21.1.
Variant type: single nucleotide variant.
Coding change: c.5398G>A on transcript NM_001854.4 (MANE Select); coding-DNA position 5398, G replaced by A.
Protein change: p.Gly1800Ser; replaces glycine 1800 with serine.
Molecular consequence: missense variant. On other transcripts: non-coding transcript variant (1).
Genome position (GRCh38, 1-based): chr1:102,878,042, C>T on the plus strand (G>A on the coding strand, the complement: COL11A1 is on the minus strand). VCF-style: chr1-102878042-C-T. GRCh37 (hg19) VCF-style: chr1-103343598-C-T.
Other names: c.5281G>A, p.Gly1761Ser (NM_001190709.2); c.5434G>A, p.Gly1812Ser (NM_080629.3); c.5050G>A, p.Gly1684Ser (NM_080630.4); short protein forms G1761S, G1812S, G1684S, G1800S.
Identifiers: ClinVar variation 1488238 (VCV001488238.6), dbSNP rs958368134, ClinGen allele CA28150656.